The following is an entry in ClinVar:

NM_001378156.1(C1QB):c.361G>A (p.Ala121Thr)

Gene: C1QB (complement C1q B chain; plus strand). Cytogenetic location: 1p36.12.
Variant type: single nucleotide variant.
Coding change: c.361G>A on transcript NM_001378156.1 (MANE Select); coding-DNA position 361, G replaced by A.
Protein change: p.Ala121Thr; replaces alanine 121 with threonine.
Molecular consequence: missense variant.
Genome position (GRCh38, 1-based): chr1:22,660,991, G>A. VCF-style: chr1-22660991-G-A. GRCh37 (hg19) VCF-style: chr1-22987484-G-A.
Other names: c.367G>A, p.Ala123Thr (NM_000491.5); c.361G>A, p.Ala121Thr (NM_001371184.3); short protein forms A121T, A123T.
Identifiers: ClinVar variation 2068588 (VCV002068588.4), dbSNP rs776292843, ClinGen allele CA678146.

ClinVar aggregate classification (germline): Uncertain significance. Review status: criteria provided, multiple submitters, no conflicts (2 of 4 stars). 2 submissions from 2 submitters: Uncertain significance (2). Last evaluated 2024-01-22.

Allele frequency attached by ClinVar (database versions not stated): gnomAD 0.00002; ExAC 0.00003.
gnomAD v4.1: 25 of 1,613,746 alleles (0.0015%); highest among the groups gnomAD compares: South Asian, 0.0033%; no homozygotes.

Submissions (2):

Blueprint Genetics
Classification: Uncertain significance. Last evaluated: 2024-01-22. Review status: criteria provided, single submitter. Criteria: ACMG Guidelines, 2015. Collection method: clinical testing. Allele origin: germline.

Labcorp Genetics (formerly Invitae), Labcorp
Classification: Uncertain significance. Last evaluated: 2022-04-04. Review status: criteria provided, single submitter. Criteria: Invitae Variant Classification Sherloc (09022015). Collection method: clinical testing. Allele origin: germline.
Comment: This sequence change replaces alanine, which is neutral and non-polar, with threonine, which is neutral and polar, at codon 123 of the C1QB protein (p.Ala123Thr). This variant is present in population databases (rs776292843, gnomAD 0.004%). This variant has not been reported in the literature in individuals affected with C1QB-related conditions. Algorithms developed to predict the effect of missense changes on protein structure and function are either unavailable or do not agree on the potential impact of this missense change (SIFT: "Tolerated"; PolyPhen-2: "Probably Damaging"; Align-GVGD: "Class C0"). In summary, the available evidence is currently insufficient to determine the role of this variant in disease. Therefore, it has been classified as a Variant of Uncertain Significance.